The following is an entry in ClinVar:

ClinVar aggregate classification (germline): Conflicting classifications of pathogenicity. Review status: criteria provided, conflicting classifications (1 of 4 stars). 2 submissions from 2 submitters: Uncertain significance (1); Likely benign (1). Last evaluated 2024-11-18.

Conditions:
Inflammatory bowel disease 25. Also called: Inflammatory bowel disease 25, early onset, autosomal recessive. Identifiers: Orphanet 238569, MedGen C2675508, MONDO:0012941, OMIM 612567.
Inborn genetic diseases. Identifiers: MedGen C0950123, MeSH D030342.

Allele frequency attached by ClinVar (database versions not stated): TOPMed 0.00005; gnomAD 0.00006 and 0.00011; gnomAD exomes 0.00013; ExAC 0.00014.
gnomAD v4.1: 151 of 1,613,880 alleles (0.0094%); highest among the groups gnomAD compares: South Asian, 0.08%; 1 homozygote.

Submissions (2):

Labcorp Genetics (formerly Invitae), Labcorp
Classification: Uncertain significance for Inflammatory bowel disease 25. Last evaluated: 2024-11-18. Review status: criteria provided, single submitter. Criteria: Invitae Variant Classification Sherloc (09022015). Collection method: clinical testing. Allele origin: germline.
Comment: This sequence change replaces valine, which is neutral and non-polar, with isoleucine, which is neutral and non-polar, at codon 248 of the IL10RB protein (p.Val248Ile). This variant is present in population databases (rs777216483, gnomAD 0.09%). This variant has not been reported in the literature in individuals affected with IL10RB-related conditions. ClinVar contains an entry for this variant (Variation ID: 576932). Invitae Evidence Modeling of protein sequence and biophysical properties (such as structural, functional, and spatial information, amino acid conservation, physicochemical variation, residue mobility, and thermodynamic stability) indicates that this missense variant is not expected to disrupt IL10RB protein function with a negative predictive value of 80%. In summary, the available evidence is currently insufficient to determine the role of this variant in disease. Therefore, it has been classified as a Variant of Uncertain Significance.

Ambry Genetics
Classification: Likely benign for Inborn genetic diseases. Last evaluated: 2022-12-05. Review status: criteria provided, single submitter. Criteria: Ambry Variant Classification Scheme 2023. Collection method: clinical testing. Allele origin: germline.

NM_000628.5(IL10RB):c.742G>A (p.Val248Ile)

Genes: IL10RB (interleukin 10 receptor subunit beta; plus strand), IFNAR2-IL10RB (IFNAR2-IL10RB readthrough; plus strand). Cytogenetic location: 21q22.11.
Variant type: single nucleotide variant.
Coding change: c.742G>A on transcript NM_000628.5 (MANE Select); coding-DNA position 742, G replaced by A.
Protein change: p.Val248Ile; replaces valine 248 with isoleucine.
Molecular consequence: missense variant.
Genome position (GRCh38, 1-based): chr21:33,288,199, G>A. VCF-style: chr21-33288199-G-A. GRCh37 (hg19) VCF-style: chr21-34660504-G-A.
Other names: c.742G>A (NM_000628.3); short protein forms V248I.
Identifiers: ClinVar variation 576932 (VCV000576932.10), dbSNP rs777216483, ClinGen allele CA10006231.